The following is an entry in ClinVar:

ClinVar aggregate classification (germline): Uncertain significance (1 of 4 stars; one submission).

Conditions:
Inborn genetic diseases. Identifiers: MedGen C0950123, MeSH D030342.

gnomAD v4.1: 2 of 1,613,006 alleles (0.00012%); highest among the groups gnomAD compares: Non-Finnish European, 0.00017%; no homozygotes.

Submission:

Ambry Genetics
Classification: Uncertain significance for Inborn genetic diseases. Last evaluated: 2025-05-31. Review status: criteria provided, single submitter. Criteria: Ambry Variant Classification Scheme 2023. Collection method: clinical testing. Allele origin: germline.
Comment: The p.M472V variant (also known as c.1414A>G), located in coding exon 11 of the BUB1B gene, results from an A to G substitution at nucleotide position 1414. The methionine at codon 472 is replaced by valine, an amino acid with highly similar properties. This amino acid position is conserved. In addition, this alteration is predicted to be tolerated by in silico analysis. Based on the available evidence, the clinical significance of this variant remains unclear.

NM_001211.6(BUB1B):c.1414A>G (p.Met472Val)

Gene: BUB1B (BUB1 mitotic checkpoint serine/threonine kinase B; plus strand). Cytogenetic location: 15q15.1.
Variant type: single nucleotide variant.
Coding change: c.1414A>G on transcript NM_001211.6 (MANE Select); coding-DNA position 1414, A replaced by G.
Protein change: p.Met472Val; replaces methionine 472 with valine.
Molecular consequence: missense variant.
Genome position (GRCh38, 1-based): chr15:40,200,256, A>G. VCF-style: chr15-40200256-A-G. GRCh37 (hg19) VCF-style: chr15-40492457-A-G.
Other names: short protein forms M472V.
Identifiers: ClinVar variation 3993739 (VCV003993739.1).
Genomic context (GRCh38, chr15:40,200,256, plus strand): 5'-ATTTTCTGGATGGGAGGGACATTGATTTTGTTTATTTAATGCAAACAGCAAGAAGAGACG[A>G]TGCCTACAAAGGAGACAACTAAACTGCAAATTGCTTCCGAGTCTCAGAAAATACCAGGAA-3'
Protein context (NP_001202.5, residues 462-482): ERTGDQQEET[Met472Val]PTKETTKLQI